The following continues an entry in ClinVar:

NM_144997.7(FLCN):c.1285dup (p.His429fs)

Gene: FLCN. ClinVar aggregate classification (germline): Pathogenic. Pathogenic (32). ClinVar aggregate classification (oncogenicity): Oncogenic.

Submissions 26 to 38 of 38:

Sema4
Classification: Pathogenic for Hereditary cancer-predisposing syndrome. Last evaluated: 2022-02-09. Review status: criteria provided, single submitter. Criteria: Sema4 Curation Guidelines. Collection method: curation. Allele origin: germline.
Comment: The FLCN c.1285dupC (p.H429PfsX27) variant has been reported in heterozygosity in numerous individuals with Birt-Hogg-Dubé syndrome (PMID: 12471204, 12204536, 15852235, 27905298, among others). Functional studies have shown that this variant alters the stability and function of the folliculin protein (PMID: 21538689, 27905298). This variant was identified in two families, where it was found to segregate with the phenotype across six meioses/individuals (PMID: 12471204, 12204536). This variant is a well-established pathogenic variant associated with Birt-Hogg-Dubé syndrome (PMID: 12204536). This variant causes a frameshift at amino acid 429 that results in premature termination 27 amino acids downstream.This variant is predicted to cause loss of normal protein function either through protein truncation or nonsense-mediated mRNA decay. Loss of function variants in FLCN are known to be pathogenic (PMID: 15852235). This variant was observed in 28/245324 chromosomes, with no homozygotes, across all populations according to the Genome Aggregation Database (PMID: 32461654). This variant has been reported in ClinVar (Variation ID: 3363). Based on the current evidence available, this variant is interpreted as pathogenic.

Institute for Clinical Genetics, University Hospital TU Dresden, University Hospital TU Dresden
Classification: Pathogenic. Last evaluated: 2021-11-03. Review status: criteria provided, single submitter. Criteria: ACMG Guidelines, 2015. Collection method: clinical testing. Allele origin: germline.

Fulgent Genetics
Classification: Pathogenic for Colorectal cancer; Birt-Hogg-Dube syndrome 1; Nonpapillary renal cell carcinoma; Familial spontaneous pneumothorax; 17p11.2 microduplication syndrome. Last evaluated: 2021-09-28. Review status: criteria provided, single submitter. Criteria: ACMG Guidelines, 2015. Collection method: clinical testing. Allele origin: unknown.

Laboratory of Medical Genetics, National & Kapodistrian University of Athens
Classification: Pathogenic for Birt-Hogg-Dube syndrome 1. Last evaluated: 2021-08-10. Review status: criteria provided, single submitter. Criteria: ACMG Guidelines, 2015. Collection method: clinical testing. Allele origin: unknown. Affected: yes.
Comment: PVS1, PM2, PP5

Women's Health and Genetics/Laboratory Corporation of America, LabCorp
Classification: Pathogenic for Birt-Hogg-DubÃ© Syndrome. Last evaluated: 2020-02-05. Review status: criteria provided, single submitter. Criteria: LabCorp Variant Classification Summary - May 2015. Collection method: clinical testing. Allele origin: germline.
Comment: Variant summary: FLCN c.1285dupC (p.His429ProfsX27) results in a premature termination codon, predicted to cause a truncation of the encoded protein or absence of the protein due to nonsense mediated decay, which are commonly known mechanisms for disease. Truncations downstream of this position have been classified as pathogenic by our laboratory. The variant allele was found at a frequency of 0.00011 in 245324 control chromosomes (gnomAD). c.1285dupC has been reported in the literature in multiple individuals affected with Birt-Hogg-Dube Syndrome (Schmidt_2005, Hoshika_2016). These data indicate that the variant is very likely to be associated with disease. At least one publication reports this variant has an impact on protein function (Hoshika_2016). Six ClinVar submitters (evaluation after 2014) cite the variant as pathogenic. Based on the evidence outlined above, the variant was classified as pathogenic.

Equipe Genetique des Anomalies du Developpement, Université de Bourgogne
Classification: Pathogenic for Birt-Hogg-Dube syndrome 1. Last evaluated: 2018-11-21. Review status: criteria provided, single submitter. Criteria: ACMG Guidelines, 2015. Collection method: clinical testing. Allele origin: unknown.

Genomic Diagnostic Laboratory, Division of Genomic Diagnostics, Children's Hospital of Philadelphia
Classification: Pathogenic for Birt-Hogg-Dube Syndrome. Last evaluated: 2016-07-18. Review status: criteria provided, single submitter. Criteria: DGD Variant Analysis Guidelines. Collection method: clinical testing. Allele origin: germline. Affected: yes. Observed: 17 variant alleles.
Comment: Clinical Testing

Clinical Genetics and Genomics, Karolinska University Hospital
Classification: Pathogenic. Last evaluated: 2014-06-26. Review status: criteria provided, single submitter. Criteria: ACMG Guidelines, 2015. Collection method: clinical testing. Allele origin: germline. Affected: yes. Observed: 39 variant alleles.

Division of Respiratory Medicine of Juntendo University, Juntendo University Faculty of Medicine and Graduate School of Medicine
Classification: Pathogenic for Birt-Hogg-Dube syndrome 1. Last evaluated: 2023-07-01. Review status: no assertion criteria provided. Collection method: clinical testing. Allele origin: germline. Affected: yes. Not counted in ClinVar's aggregate classification.

Eurofins Ntd Llc (ga)
Classification: Pathogenic. Last evaluated: 2013-04-11. Review status: no assertion criteria provided. Collection method: clinical testing. Allele origin: germline. Observed: 44 variant alleles, 44 heterozygotes. Not counted in ClinVar's aggregate classification.

OMIM
Classification: Pathogenic for BIRT-HOGG-DUBE SYNDROME 1. Last evaluated: 2010-06-01. Review status: no assertion criteria provided. Collection method: literature only. Allele origin: germline. Not counted in ClinVar's aggregate classification.

OMIM
Classification: Pathogenic for PNEUMOTHORAX, PRIMARY SPONTANEOUS. Last evaluated: 2010-06-01. Review status: no assertion criteria provided. Collection method: literature only. Allele origin: germline. Not counted in ClinVar's aggregate classification.

GeneReviews
No classification provided. Condition: Birt-Hogg-Dube syndrome. Review status: no classification provided. Collection method: literature only. Allele origin: unknown. Not counted in ClinVar's aggregate classification.

Literature cited by the submitters: PubMed 12204536 (cited by 11 submitters); PubMed 12471204 (cited by 9 submitters); PubMed 15852235 (cited by 5 submitters); PubMed 17496196 (cited by 7 submitters); PubMed 18234728 (cited by Department of Medical Genetics, Hatay Education and Research Hospital and Mayo Clinic Laboratories, Mayo Clinic); PubMed 18505456 (cited by 4 submitters); PubMed 19562744 (cited by 3 submitters); PubMed 20522427 (cited by 6 submitters); PubMed 21538689 (cited by 6 submitters); PubMed 23784378 (cited by Department of Medical Genetics, Hatay Education and Research Hospital and Mayo Clinic Laboratories, Mayo Clinic); PubMed 26028485 (cited by 3 submitters); PubMed 26402642 (cited by Department of Medical Genetics, Hatay Education and Research Hospital and Mayo Clinic Laboratories, Mayo Clinic); PubMed 27220747 (cited by 3 submitters); PubMed 27905298 (cited by 5 submitters); PubMed 27734835 (cited by 5 submitters); PubMed 29357828 (cited by 3 submitters); PubMed 29548312 (cited by 4 submitters); PubMed 30586397 (cited by Department of Medical Genetics, Hatay Education and Research Hospital and Genetics Department, Catlab); PubMed 30360018 (cited by 4 submitters); PubMed 31471370 (cited by Department of Medical Genetics, Hatay Education and Research Hospital and Mayo Clinic Laboratories, Mayo Clinic); PubMed 31958439 (cited by Department of Medical Genetics, Hatay Education and Research Hospital and Mayo Clinic Laboratories, Mayo Clinic); PubMed 33137092 (cited by Department of Medical Genetics, Hatay Education and Research Hospital and Mayo Clinic Laboratories, Mayo Clinic); PubMed 33294559 (cited by Department of Medical Genetics, Hatay Education and Research Hospital and Mayo Clinic Laboratories, Mayo Clinic); PubMed 34008892 (cited by Department of Medical Genetics, Hatay Education and Research Hospital and Laboratory of Medical Genetics, National & Kapodistrian University of Athens); PubMed 35221599 (cited by Department of Medical Genetics, Hatay Education and Research Hospital and Mayo Clinic Laboratories, Mayo Clinic); PubMed 35578266 (cited by Department of Medical Genetics, Hatay Education and Research Hospital and Mayo Clinic Laboratories, Mayo Clinic); PubMed 35946080 (cited by Department of Medical Genetics, Hatay Education and Research Hospital and Mayo Clinic Laboratories, Mayo Clinic); PubMed 37520842 (cited by Department of Medical Genetics, Hatay Education and Research Hospital and Mayo Clinic Laboratories, Mayo Clinic); PubMed 20301695 (cited by 4 submitters); PubMed 38552456 (cited by Department of Medical Genetics, Hatay Education and Research Hospital and Mayo Clinic Laboratories, Mayo Clinic); PubMed 23874397 (cited by Center for Genomic Medicine, Rigshospitalet, Copenhagen University Hospital); PubMed 23757202 (cited by Eurofins Ntd Llc (ga)); NCBI Bookshelf NBK1522 (cited by GeneReviews).